The following is an entry in ClinVar:

NM_006767.4(LZTR1):c.508C>G (p.Arg170Gly)

Gene: LZTR1 (leucine zipper like post translational regulator 1; plus strand). Cytogenetic location: 22q11.21.
Variant type: single nucleotide variant.
Coding change: c.508C>G on transcript NM_006767.4 (MANE Select); coding-DNA position 508, C replaced by G.
Protein change: p.Arg170Gly; replaces arginine 170 with glycine.
Molecular consequence: missense variant.
Genome position (GRCh38, 1-based): chr22:20,988,117, C>G. VCF-style: chr22-20988117-C-G. GRCh37 (hg19) VCF-style: chr22-21342406-C-G.
Other names: short protein forms R170G.
Identifiers: ClinVar variation 3725025 (VCV003725025.2).

ClinVar aggregate classification (germline): Uncertain significance (1 of 4 stars; one submission).

Submission:

Labcorp Genetics (formerly Invitae), Labcorp
Classification: Uncertain significance. Last evaluated: 2024-08-22. Review status: criteria provided, single submitter. Criteria: Invitae Variant Classification Sherloc (09022015). Collection method: clinical testing. Allele origin: germline.
Comment: This sequence change replaces arginine, which is basic and polar, with glycine, which is neutral and non-polar, at codon 170 of the LZTR1 protein (p.Arg170Gly). This variant is not present in population databases (gnomAD no frequency). This variant has not been reported in the literature in individuals affected with LZTR1-related conditions. An algorithm developed to predict the effect of missense changes on protein structure and function (PolyPhen-2) suggests that this variant is likely to be disruptive. In summary, the available evidence is currently insufficient to determine the role of this variant in disease. Therefore, it has been classified as a Variant of Uncertain Significance.